The following is an entry in ClinVar:

NM_032119.3(ADGRV1):c.(?_17020)-19_(17856_?)+58dup

Gene: ADGRV1 (adhesion G protein-coupled receptor V1; plus strand). Cytogenetic location: 5q14.3.
Variant type: Duplication.
Identifiers: ClinVar variation 228702 (VCV000228702.4).

ClinVar aggregate classification (germline): Uncertain significance (1 of 4 stars; one submission).

Submission:

Laboratory for Molecular Medicine, Mass General Brigham Personalized Medicine
Classification: Uncertain significance. Last evaluated: 2015-10-04. Review status: criteria provided, single submitter. Criteria: LMM Criteria. Collection method: clinical testing. Allele origin: germline. Observed: 1 variant allele.
Comment: Variant classified as Uncertain Significance - Favor Pathogenic. The duplication of exons 79-83 (c.(?_17020-19)_(17856+58_?)dup) in GPR98 has been previously re ported in two individuals with Usher syndrome; one who was reportedly homozygous and one who was compound heterozygous for a truncating variant (Besnard 2012, A parisi 2014). However, for the individual with the homozygous duplication it was not clearly stated if the duplication was presumed homozygous based on parental testing or solely on the NGS and/or array-CGH data (Aparisi 2014), and parental testing for cis/trans analysis was not reported for the second individual (Besn ard 2012). In addition, data showing whether the duplication is in tandem, there by disrupting the normal reading frame of the protein, or was inserted at a diff erent locus which may not impact the protein, was not provided for either indivi dual. Several multi-exonic duplications in GPR98 have been reported in the Datab ase of Genomic Variants; however, the frequency o f this duplication in the general population is unknown. In summary, while there is some suspicion for a pathogenic role given the previous reports, the clinica l significance of this variant is uncertain.

Literature cited by the submitters: PubMed 25404053; PubMed 22147658.